The following is an entry in ClinVar:

ClinVar aggregate classification (germline): Uncertain significance (1 of 4 stars; one submission).

Submission:

GeneDx
Classification: Uncertain significance. Last evaluated: 2023-11-01. Review status: criteria provided, single submitter. Criteria: GeneDx Variant Classification Process June 2021. Collection method: clinical testing. Allele origin: germline. Affected: yes.
Comment: Not observed at significant frequency in large population cohorts (gnomAD); In silico analysis supports that this missense variant has a deleterious effect on protein structure/function; Has not been previously published as pathogenic or benign to our knowledge

NM_021224.6(ZNF462):c.6757G>T (p.Asp2253Tyr)

Gene: ZNF462 (zinc finger protein 462; plus strand). Cytogenetic location: 9q31.2.
Variant type: single nucleotide variant.
Coding change: c.6757G>T on transcript NM_021224.6 (MANE Select); coding-DNA position 6757, G replaced by T.
Protein change: p.Asp2253Tyr; replaces aspartic acid 2253 with tyrosine.
Molecular consequence: missense variant.
Genome position (GRCh38, 1-based): chr9:106,974,198, G>T. VCF-style: chr9-106974198-G-T. GRCh37 (hg19) VCF-style: chr9-109736479-G-T.
Other names: c.4162G>T, p.Asp1388Tyr (NM_001347997.2); short protein forms D1388Y, D2253Y.
Identifiers: ClinVar variation 3363860 (VCV003363860.1).